The following is an entry in ClinVar:

NM_020911.2(PLXNA4):c.2586+6C>T

Gene: PLXNA4 (plexin A4; minus strand). Cytogenetic location: 7q32.3.
Variant type: single nucleotide variant.
Coding change: c.2586+6C>T on transcript NM_020911.2 (MANE Select); 6 bases into the intron after coding-DNA position 2586, C replaced by T.
Molecular consequence: intron variant.
Genome position (GRCh38, 1-based): chr7:132,202,640, G>A on the plus strand (C>T on the coding strand, the complement: PLXNA4 is on the minus strand). VCF-style: chr7-132202640-G-A. GRCh37 (hg19) VCF-style: chr7-131887399-G-A.
Other names: c.2586+6C>T (NM_001393897.1).
Identifiers: ClinVar variation 3347678 (VCV003347678.1).
Genomic context (GRCh38, chr7:132,202,640, plus strand): 5'-CCACAGGGTGTGGCACAGCAGCCTGGAGCCTGCCCATTTGGAGCAGGAGGCCCGACCCCG[G>A]CTTACCTCTGTGATGCGGGGGTTTGTGCACTTGCTTTTGGCACCAGACAGCTCCAGCCAC-3'

ClinVar aggregate classification (germline): Likely benign (0 of 4 stars; one submission).

Conditions:
PLXNA4-related disorder. Also called: PLXNA4-related condition.

gnomAD v4.1: 10 of 1,482,942 alleles (0.00067%); highest among the groups gnomAD compares: Non-Finnish European, 0.0009%; no homozygotes.

Submission:

PreventionGenetics, part of Exact Sciences
Classification: Likely benign for PLXNA4-related condition. Last evaluated: 2024-05-07. Review status: no assertion criteria provided. Collection method: clinical testing. Allele origin: germline.
Comment: This variant is classified as likely benign based on ACMG/AMP sequence variant interpretation guidelines (Richards et al. 2015 PMID: 25741868, with internal and published modifications).